The following is an entry in ClinVar:

NM_001164508.2(NEB):c.1750G>T (p.Ala584Ser)

Gene: NEB (nebulin; minus strand). Cytogenetic location: 2q23.3.
Variant type: single nucleotide variant.
Coding change: c.1750G>T on transcript NM_001164508.2 (MANE Select); coding-DNA position 1750, G replaced by T.
Protein change: p.Ala584Ser; replaces alanine 584 with serine.
Molecular consequence: missense variant.
Genome position (GRCh38, 1-based): chr2:151,694,554, C>A on the plus strand (G>T on the coding strand, the complement: NEB is on the minus strand). VCF-style: chr2-151694554-C-A. GRCh37 (hg19) VCF-style: chr2-152551068-C-A.
Other names: c.1750G>T, p.Ala584Ser (NM_001164507.2, NM_001271208.2, NM_004543.5); short protein forms A584S.
Identifiers: ClinVar variation 1978657 (VCV001978657.4), dbSNP rs2099581865, ClinGen allele CA348824621.

ClinVar aggregate classification (germline): Uncertain significance (1 of 4 stars; one submission).

Conditions:
Nemaline myopathy 2 (NEM2). Also called: Nemaline myopathy 2, autosomal recessive. Identifiers: MedGen C1850569, MONDO:0009725, OMIM 256030.

Allele frequency attached by ClinVar (database versions not stated): TOPMed below 0.00001; gnomAD exomes 0.00001.
gnomAD v4.1: 9 of 1,612,470 alleles (0.00056%); highest among the groups gnomAD compares: Non-Finnish European, 0.00076%; no homozygotes.

Submission:

Labcorp Genetics (formerly Invitae), Labcorp
Classification: Uncertain significance for Nemaline myopathy 2. Last evaluated: 2024-10-18. Review status: criteria provided, single submitter. Criteria: Invitae Variant Classification Sherloc (09022015). Collection method: clinical testing. Allele origin: germline.
Comment: This sequence change replaces alanine, which is neutral and non-polar, with serine, which is neutral and polar, at codon 584 of the NEB protein (p.Ala584Ser). This variant is not present in population databases (gnomAD no frequency). This variant has not been reported in the literature in individuals affected with NEB-related conditions. ClinVar contains an entry for this variant (Variation ID: 1978657). Experimental studies and prediction algorithms are not available or were not evaluated, and the functional significance of this variant is currently unknown. In summary, the available evidence is currently insufficient to determine the role of this variant in disease. Therefore, it has been classified as a Variant of Uncertain Significance.